The following is an entry in ClinVar:

ClinVar aggregate classification (germline): Pathogenic. Review status: criteria provided, single submitter (1 of 4 stars). 2 submissions from 2 submitters: Pathogenic (1). 1 of the submissions does not count toward it. Last evaluated 2019-06-13.

Conditions:
Basal ganglia calcification, idiopathic, 7, autosomal recessive. Also called: PRIMARY FAMILIAL BRAIN CALCIFICATION 7, AUTOSOMAL RECESSIVE. Identifiers: MedGen C5193025, MONDO:0032673, OMIM 618317.

Allele frequency attached by ClinVar (database versions not stated): gnomAD exomes 0.00001; ExAC 0.00001.
gnomAD v4.1: 2 of 1,613,082 alleles (0.00012%); highest among the groups gnomAD compares: East Asian, 0.0022%; no homozygotes.

Submissions (2):

SIB Swiss Institute of Bioinformatics
Classification: Pathogenic for Basal ganglia calcification, idiopathic, 7, autosomal recessive. Last evaluated: 2019-06-13. Review status: criteria provided, single submitter. Criteria: ACMG Guidelines, 2015. Collection method: curation. Allele origin: unknown.
Comment: This variant is interpreted as a Pathogenic for Basal ganglia calcification, idiopathic, 7, autosomal recessive. The following ACMG Tag(s) were applied: PM2, PM3-Supporting, PP1-Strong, PVS1-Strong.

OMIM
Classification: Pathogenic for PRIMARY FAMILIAL BRAIN CALCIFICATION 7, AUTOSOMAL RECESSIVE. Last evaluated: 2026-11-13. Review status: no assertion criteria provided. Collection method: literature only. Allele origin: germline. Not counted in ClinVar's aggregate classification.

Literature cited by the submitters: PubMed 29910000 (cited by SIB Swiss Institute of Bioinformatics and OMIM).

NM_020702.5(MYORG):c.225G>A (p.Trp75Ter)

Gene: MYORG (myogenesis regulating glycosidase; minus strand). Cytogenetic location: 9p13.3.
Variant type: single nucleotide variant.
Coding change: c.225G>A on transcript NM_020702.5 (MANE Select); coding-DNA position 225, G replaced by A.
Protein change: p.Trp75Ter; replaces tryptophan 75 with a stop codon.
Molecular consequence: nonsense.
Genome position (GRCh38, 1-based): chr9:34,372,719, C>T on the plus strand (G>A on the coding strand, the complement: MYORG is on the minus strand). VCF-style: chr9-34372719-C-T. GRCh37 (hg19) VCF-style: chr9-34372717-C-T.
Other names: MYORG, TRP75TER (rs760451348); short protein forms W75*.
Identifiers: ClinVar variation 617689 (VCV000617689.3), dbSNP rs760451348, ClinGen allele CA5033210.